The following is an entry in ClinVar:

NM_004260.4(RECQL4):c.473A>T (p.Glu158Val)

Gene: RECQL4 (RecQ like helicase 4; minus strand). Cytogenetic location: 8q24.3.
Variant type: single nucleotide variant.
Coding change: c.473A>T on transcript NM_004260.4 (MANE Select); coding-DNA position 473, A replaced by T.
Protein change: p.Glu158Val; replaces glutamic acid 158 with valine.
Molecular consequence: missense variant.
Genome position (GRCh38, 1-based): chr8:144,516,646, T>A on the plus strand (A>T on the coding strand, the complement: RECQL4 is on the minus strand). VCF-style: chr8-144516646-T-A. GRCh37 (hg19) VCF-style: chr8-145742030-T-A.
Other names: c.473A>T (NM_004260.3); short protein forms E158V.
Identifiers: ClinVar variation 1391013 (VCV001391013.7), dbSNP rs2130728222, ClinGen allele CA372691335.

ClinVar aggregate classification (germline): Conflicting classifications of pathogenicity. Review status: criteria provided, conflicting classifications (1 of 4 stars). 2 submissions from 2 submitters: Uncertain significance (1); Likely benign (1). Last evaluated 2026-06-13.

Conditions:
Inborn genetic diseases. Identifiers: MedGen C0950123, MeSH D030342.
Baller-Gerold syndrome (BGS). Also called: CRANIOSYNOSTOSIS WITH RADIAL DEFECTS. Identifiers: Orphanet 1225, MedGen C0265308, MONDO:0009039, OMIM 218600.

Allele frequency attached by ClinVar (database versions not stated): gnomAD exomes below 0.00001.
gnomAD v4.1: 1 of 1,606,538 alleles (0.000062%); highest among the groups gnomAD compares: Non-Finnish European, 0.000085%; no homozygotes.

Submissions (2):

Ambry Genetics
Classification: Likely benign for Inborn genetic diseases. Last evaluated: 2026-06-13. Review status: criteria provided, single submitter. Criteria: Ambry Variant Classification Scheme 2023. Collection method: clinical testing. Allele origin: germline.

Labcorp Genetics (formerly Invitae), Labcorp
Classification: Uncertain significance for Baller-Gerold syndrome. Last evaluated: 2022-12-06. Review status: criteria provided, single submitter. Criteria: Invitae Variant Classification Sherloc (09022015). Collection method: clinical testing. Allele origin: germline.
Comment: Experimental studies and prediction algorithms are not available or were not evaluated, and the functional significance of this variant is currently unknown. In summary, the available evidence is currently insufficient to determine the role of this variant in disease. Therefore, it has been classified as a Variant of Uncertain Significance. Algorithms developed to predict the effect of sequence changes on RNA splicing suggest that this variant may create or strengthen a splice site. ClinVar contains an entry for this variant (Variation ID: 1391013). This variant has not been reported in the literature in individuals affected with RECQL4-related conditions. This variant is not present in population databases (gnomAD no frequency). This sequence change replaces glutamic acid, which is acidic and polar, with valine, which is neutral and non-polar, at codon 158 of the RECQL4 protein (p.Glu158Val).